The following is an entry in ClinVar:

NM_032043.3(BRIP1):c.1208G>C (p.Arg403Pro)

Gene: BRIP1 (BRCA1 interacting DNA helicase 1; minus strand). Cytogenetic location: 17q23.2.
Variant type: single nucleotide variant.
Coding change: c.1208G>C on transcript NM_032043.3 (MANE Select); coding-DNA position 1208, G replaced by C.
Protein change: p.Arg403Pro; replaces arginine 403 with proline.
Molecular consequence: missense variant.
Genome position (GRCh38, 1-based): chr17:61,799,232, C>G on the plus strand (G>C on the coding strand, the complement: BRIP1 is on the minus strand). VCF-style: chr17-61799232-C-G. GRCh37 (hg19) VCF-style: chr17-59876593-C-G.
Other names: short protein forms R403P.
Identifiers: ClinVar variation 1749320 (VCV001749320.2), dbSNP rs786202780, ClinGen allele CA400483690.
Genomic context (GRCh38, chr17:61,799,232, plus strand): 5'-TCTAGTTCATCCCGAGCAAACCGAAGCTGAACTTCTGTTACACTGTAACTTGCTGATTCC[C>G]GAGCACAGTCCTCGATGTTATGAGCTTCATCTAAAATGACAACCTGTTCTTTCAGATTTA-3'
Protein context (NP_114432.2, residues 393-413): DEAHNIEDCA[Arg403Pro]ESASYSVTEV

ClinVar aggregate classification (germline): Uncertain significance (1 of 4 stars; one submission).

Conditions:
Hereditary cancer-predisposing syndrome. Also called: Hereditary Cancer Syndrome; Hereditary neoplastic syndrome; Neoplastic Syndromes, Hereditary; Tumor predisposition. Identifiers: Orphanet 140162, MedGen C0027672, MeSH D009386, MONDO:0015356.

gnomAD v4.1: 4 of 1,613,568 alleles (0.00025%); highest among the groups gnomAD compares: South Asian, 0.0033%; no homozygotes.

Submission:

Ambry Genetics
Classification: Uncertain significance for Hereditary cancer-predisposing syndrome. Last evaluated: 2020-02-25. Review status: criteria provided, single submitter. Criteria: Ambry Variant Classification Scheme 2023. Collection method: clinical testing. Allele origin: germline.
Comment: The p.R403P variant (also known as c.1208G>C), located in coding exon 8 of the BRIP1 gene, results from a G to C substitution at nucleotide position 1208. The arginine at codon 403 is replaced by proline, an amino acid with dissimilar properties. This amino acid position is highly conserved in available vertebrate species. In addition, this alteration is predicted to be deleterious by in silico analysis. Since supporting evidence is limited at this time, the clinical significance of this alteration remains unclear.